The following is an entry in ClinVar:

NM_144997.7(FLCN):c.1176+15T>C

Gene: FLCN (folliculin; minus strand). Cytogenetic location: 17p11.2.
Variant type: single nucleotide variant.
Coding change: c.1176+15T>C on transcript NM_144997.7 (MANE Select); 15 bases into the intron after coding-DNA position 1176, T replaced by C.
Molecular consequence: intron variant.
Genome position (GRCh38, 1-based): chr17:17,217,054, A>G on the plus strand (T>C on the coding strand, the complement: FLCN is on the minus strand). VCF-style: chr17-17217054-A-G. GRCh37 (hg19) VCF-style: chr17-17120368-A-G.
Other names: c.1176+15T>C (NM_001353231.2, NM_001353230.2); c.1230+15T>C (NM_001353229.2).
Identifiers: ClinVar variation 1576694 (VCV001576694.10), dbSNP rs550870270, ClinGen allele CA8416127.

ClinVar aggregate classification (germline): Benign/Likely benign. Review status: criteria provided, multiple submitters, no conflicts (2 of 4 stars). 3 submissions from 3 submitters: Benign (1); Likely benign (2). Last evaluated 2025-12-29.

Conditions:
Nonpapillary renal cell carcinoma. Identifiers: Orphanet 422526, MedGen CN074294, MONDO:0007763, OMIM 144700.
Colorectal cancer. Also called: Malignant Colorectal Neoplasm; Colorectal cancer, somatic. Identifiers: MedGen C0346629, MONDO:0005575, OMIM 114500.
Familial spontaneous pneumothorax (PSP). Identifiers: Orphanet 2903, MedGen C1868193, MONDO:0008259, OMIM 173600.
Birt-Hogg-Dube syndrome. Also called: Birt Hogg Dubé syndrome. Identifiers: Orphanet 122, MedGen C0346010, MONDO:0800444.
17p11.2 microduplication syndrome (PTLS). Also called: CHROMOSOME 17p11.2 DUPLICATION SYNDROME; Potocki-Lupski syndrome; Duplication 17p11.2 syndrome; Potocki-Lupski syndrome (dup(17)(p11.2p11.2)). Identifiers: Orphanet 1713, MedGen C2931246, MONDO:0012574, OMIM 610883.

Allele frequency attached by ClinVar (database versions not stated): TOPMed 0.00002; gnomAD 0.00005; gnomAD exomes 0.00010 and 0.00020; ExAC 0.00021; 1000 Genomes Project 30x 0.00047; 1000 Genomes Project 0.00060.
gnomAD v4.1: 144 of 1,583,966 alleles (0.0091%); highest among the groups gnomAD compares: South Asian, 0.15%; no homozygotes.

Submissions (3):

Center for Genomic Medicine, Rigshospitalet, Copenhagen University Hospital
Classification: Likely benign. Last evaluated: 2025-12-29. Review status: criteria provided, single submitter. Criteria: ACMG Guidelines, 2015. Collection method: clinical testing. Allele origin: germline.
Comment: Classification criteria: BP4

Labcorp Genetics (formerly Invitae), Labcorp
Classification: Benign for Birt-Hogg-Dube syndrome. Last evaluated: 2025-11-25. Review status: criteria provided, single submitter. Criteria: Invitae Variant Classification Sherloc (09022015). Collection method: clinical testing. Allele origin: germline.

Fulgent Genetics
Classification: Likely benign for Colorectal cancer; Birt-Hogg-Dube syndrome 1; Nonpapillary renal cell carcinoma; Familial spontaneous pneumothorax; 17p11.2 microduplication syndrome. Last evaluated: 2021-10-15. Review status: criteria provided, single submitter. Criteria: ACMG Guidelines, 2015. Collection method: clinical testing. Allele origin: unknown.